The following is an entry in ClinVar:

NM_198282.4(STING1):c.816A>G (p.Ser272=)

Gene: STING1 (stimulator of interferon response cGAMP interactor 1; minus strand). Cytogenetic location: 5q31.2.
Variant type: single nucleotide variant.
Coding change: c.816A>G on transcript NM_198282.4 (MANE Select); coding-DNA position 816, A replaced by G.
Protein change: p.Ser272=; no amino-acid change (serine 272 retained).
Molecular consequence: synonymous variant. On other transcripts: intron variant (1).
Genome position (GRCh38, 1-based): chr5:139,477,459, T>C on the plus strand (A>G on the coding strand, the complement: STING1 is on the minus strand). VCF-style: chr5-139477459-T-C. GRCh37 (hg19) VCF-style: chr5-138857044-T-C.
Other names: c.459A>G, p.Ser153= (NM_001367258.1); c.759+811A>G (NM_001301738.2).
Identifiers: ClinVar variation 2982442 (VCV002982442.4), dbSNP rs780009028, ClinGen allele CA3435301.

ClinVar aggregate classification (germline): Likely benign. Review status: criteria provided, multiple submitters, no conflicts (2 of 4 stars). 2 submissions from 2 submitters: Likely benign (2). Last evaluated 2024-07-01.

Conditions:
STING-associated vasculopathy with onset in infancy. Also called: Sting-associated vasculopathy, infantile-onset. Identifiers: Orphanet 425120, MedGen C4014722, MONDO:0014405, OMIM 615934.

Allele frequency attached by ClinVar (database versions not stated): gnomAD exomes below 0.00001; ExAC 0.00001.

Submissions (2):

Women's Health and Genetics/Laboratory Corporation of America, LabCorp
Classification: Likely benign. Last evaluated: 2024-07-01. Review status: criteria provided, single submitter. Criteria: LabCorp Variant Classification Summary - May 2015. Collection method: clinical testing. Allele origin: germline.
Comment: Variant summary: STING1 c.816A>G alters a conserved nucleotide resulting in a synonymous change. Consensus agreement among computation tools predict no significant impact on normal splicing. However, these predictions have yet to be confirmed by functional studies. The variant allele was found at a frequency of 8e-06 in 251374 control chromosomes. The available data on variant occurrences in the general population are insufficient to allow any conclusion about variant significance. To our knowledge, no occurrence of c.816A>G in individuals affected with STING-Associated Vasculopathy With Onset In Infancy and no experimental evidence demonstrating its impact on protein function have been reported. ClinVar contains an entry for this variant (Variation ID: 2982442). Based on the evidence outlined above, the variant was classified as likely benign.

Labcorp Genetics (formerly Invitae), Labcorp
Classification: Likely benign for STING-associated vasculopathy with onset in infancy. Last evaluated: 2023-03-31. Review status: criteria provided, single submitter. Criteria: Invitae Variant Classification Sherloc (09022015). Collection method: clinical testing. Allele origin: germline.